The following is an entry in ClinVar:

NM_032242.4(PLXNA1):c.1887G>A (p.Thr629=)

Gene: PLXNA1 (plexin A1; plus strand). Cytogenetic location: 3q21.3.
Variant type: single nucleotide variant.
Coding change: c.1887G>A on transcript NM_032242.4 (MANE Select); coding-DNA position 1887, G replaced by A.
Protein change: p.Thr629=; no amino-acid change (threonine 629 retained).
Molecular consequence: synonymous variant.
Genome position (GRCh38, 1-based): chr3:127,005,233, G>A. VCF-style: chr3-127005233-G-A. GRCh37 (hg19) VCF-style: chr3-126724076-G-A.
Other names: c.1887G>A (NM_032242.3).
Identifiers: ClinVar variation 1940811 (VCV001940811.7), dbSNP rs376837581, ClinGen allele CA2593394.

ClinVar aggregate classification (germline): Likely benign. Review status: criteria provided, single submitter (1 of 4 stars). 2 submissions from 2 submitters: Likely benign (1). 1 of the submissions does not count toward it. Last evaluated 2022-04-12.

Conditions:
PLXNA1-related disorder. Also called: PLXNA1-related condition.

Allele frequency attached by ClinVar (database versions not stated): gnomAD 0.00001; TOPMed 0.00002; gnomAD exomes 0.00003; ExAC 0.00004; ESP Exome Variant Server 0.00008.
gnomAD v4.1: 41 of 1,606,656 alleles (0.0026%); highest among the groups gnomAD compares: Middle Eastern, 0.016%; no homozygotes.

Submissions (2):

Labcorp Genetics (formerly Invitae), Labcorp
Classification: Likely benign. Last evaluated: 2022-04-12. Review status: criteria provided, single submitter. Criteria: Invitae Variant Classification Sherloc (09022015). Collection method: clinical testing. Allele origin: germline.

PreventionGenetics, part of Exact Sciences
Classification: Likely benign for PLXNA1-related condition. Last evaluated: 2024-01-22. Review status: no assertion criteria provided. Collection method: clinical testing. Allele origin: germline. Not counted in ClinVar's aggregate classification.
Comment: This variant is classified as likely benign based on ACMG/AMP sequence variant interpretation guidelines (Richards et al. 2015 PMID: 25741868, with internal and published modifications).